The following is an entry in ClinVar:

NM_015662.3(IFT172):c.1412-1G>C

Gene: IFT172 (intraflagellar transport 172; minus strand). Cytogenetic location: 2p23.3.
Variant type: single nucleotide variant.
Coding change: c.1412-1G>C on transcript NM_015662.3 (MANE Select); the canonical splice acceptor site of the intron before coding-DNA position 1412, G replaced by C.
Molecular consequence: splice acceptor variant.
Genome position (GRCh38, 1-based): chr2:27,472,363, C>G on the plus strand (G>C on the coding strand, the complement: IFT172 is on the minus strand). VCF-style: chr2-27472363-C-G. GRCh37 (hg19) VCF-style: chr2-27695230-C-G.
Other names: c.1412-1G>C (NM_001410739.1).
Identifiers: ClinVar variation 2028073 (VCV002028073.4), dbSNP rs1667637536, ClinGen allele CA346391758.

ClinVar aggregate classification (germline): Pathogenic (1 of 4 stars; one submission).

Conditions:
Retinitis pigmentosa 71 (RP71). Identifiers: Orphanet 791, MedGen C4225342, MONDO:0014618, OMIM 616394.
Short-rib thoracic dysplasia 10 with or without polydactyly (SRTD10). Identifiers: Orphanet 474, MedGen C3810175, MONDO:0014284, OMIM 615630.

Submission:

Labcorp Genetics (formerly Invitae), Labcorp
Classification: Pathogenic for Retinitis pigmentosa 71; Short-rib thoracic dysplasia 10 with or without polydactyly. Last evaluated: 2022-03-06. Review status: criteria provided, single submitter. Criteria: Invitae Variant Classification Sherloc (09022015). Collection method: clinical testing. Allele origin: germline.
Comment: For these reasons, this variant has been classified as Pathogenic. Algorithms developed to predict the effect of sequence changes on RNA splicing suggest that this variant may disrupt the consensus splice site. Disruption of this splice site has been observed in individual(s) with clinical features of Bardet-Biedl syndrome (external communication). In at least one individual the data is consistent with being in trans (on the opposite chromosome) from a pathogenic variant. This variant is not present in population databases (gnomAD no frequency). This sequence change affects an acceptor splice site in intron 14 of the IFT172 gene. It is expected to disrupt RNA splicing. Variants that disrupt the donor or acceptor splice site typically lead to a loss of protein function (PMID: 16199547), and loss-of-function variants in IFT172 are known to be pathogenic (PMID: 24140113).

Literature cited by the submitters: PubMed 16199547; PubMed 24140113.